The following is an entry in ClinVar:

NM_001015880.2(PAPSS2):c.1384T>C (p.Trp462Arg)

Gene: PAPSS2 (3'-phosphoadenosine 5'-phosphosulfate synthase 2; plus strand). Cytogenetic location: 10q23.31.
Variant type: single nucleotide variant.
Coding change: c.1384T>C on transcript NM_001015880.2 (MANE Select); coding-DNA position 1384, T replaced by C.
Protein change: p.Trp462Arg; replaces tryptophan 462 with arginine.
Molecular consequence: missense variant.
Genome position (GRCh38, 1-based): chr10:87,743,534, T>C. VCF-style: chr10-87743534-T-C. GRCh37 (hg19) VCF-style: chr10-89503291-T-C.
Other names: c.1369T>C (NM_004670.3); c.1369T>C, p.Trp457Arg (NM_004670.4); short protein forms W457R, W462R.
Identifiers: ClinVar variation 1369547 (VCV001369547.9), dbSNP rs1564729826, ClinGen allele CA377483193.

ClinVar aggregate classification (germline): Uncertain significance. Review status: criteria provided, multiple submitters, no conflicts (2 of 4 stars). 2 submissions from 2 submitters: Uncertain significance (2). Last evaluated 2023-06-21.

Conditions:
Spondyloepimetaphyseal dysplasia, PAPSS2 type. Also called: BRACHYOLMIA TYPE 4 WITH MILD EPIPHYSEAL AND METAPHYSEAL CHANGES; SPONDYLODYSPLASIA AND PREMATURE PUBARCHE; SEMD, PAKISTANI TYPE. Identifiers: Orphanet 93282, MedGen C2748516, MONDO:0019666, OMIM 612847.
Inborn genetic diseases. Identifiers: MedGen C0950123, MeSH D030342.

Allele frequency attached by ClinVar (database versions not stated): gnomAD exomes below 0.00001 and 0.00001.
gnomAD v4.1: 3 of 1,614,114 alleles (0.00019%); highest among the groups gnomAD compares: Admixed American, 0.0033%; no homozygotes.

Submissions (2):

Ambry Genetics
Classification: Uncertain significance for Inborn genetic diseases. Last evaluated: 2023-06-21. Review status: criteria provided, single submitter. Criteria: Ambry Variant Classification Scheme 2023. Collection method: clinical testing. Allele origin: germline.

Labcorp Genetics (formerly Invitae), Labcorp
Classification: Uncertain significance for Spondyloepimetaphyseal dysplasia, PAPSS2 type. Last evaluated: 2022-07-12. Review status: criteria provided, single submitter. Criteria: Invitae Variant Classification Sherloc (09022015). Collection method: clinical testing. Allele origin: germline.
Comment: In summary, the available evidence is currently insufficient to determine the role of this variant in disease. Therefore, it has been classified as a Variant of Uncertain Significance. Algorithms developed to predict the effect of missense changes on protein structure and function are either unavailable or do not agree on the potential impact of this missense change (SIFT: "Deleterious"; PolyPhen-2: "Probably Damaging"; Align-GVGD: "Class C0"). ClinVar contains an entry for this variant (Variation ID: 1369547). This variant has not been reported in the literature in individuals affected with PAPSS2-related conditions. This variant is present in population databases (no rsID available, gnomAD 0.003%). This sequence change replaces tryptophan, which is neutral and slightly polar, with arginine, which is basic and polar, at codon 462 of the PAPSS2 protein (p.Trp462Arg).